The following is an entry in ClinVar:

NM_020843.4(SCAPER):c.1974G>A (p.Glu658=)

Gene: SCAPER (S-phase cyclin A associated protein in the ER; minus strand). Cytogenetic location: 15q24.3.
Variant type: single nucleotide variant.
Coding change: c.1974G>A on transcript NM_020843.4 (MANE Select); coding-DNA position 1974, G replaced by A.
Protein change: p.Glu658=; no amino-acid change (glutamic acid 658 retained).
Molecular consequence: synonymous variant. On other transcripts: non-coding transcript variant (1).
Genome position (GRCh38, 1-based): chr15:76,733,277, C>T on the plus strand (G>A on the coding strand, the complement: SCAPER is on the minus strand). VCF-style: chr15-76733277-C-T. GRCh37 (hg19) VCF-style: chr15-77025618-C-T.
Other names: c.1236G>A, p.Glu412= (NM_001145923.2); c.1992G>A, p.Glu664= (NM_001353009.2); c.1572G>A, p.Glu524= (NM_001353010.2, NM_001353012.2); c.1590G>A, p.Glu530= (NM_001353011.2).
Identifiers: ClinVar variation 4085910 (VCV004085910.8).

ClinVar aggregate classification (germline): Likely benign (1 of 4 stars; one submission).

gnomAD v4.1: 1 of 1,605,456 alleles (0.000062%); highest among the groups gnomAD compares: Non-Finnish European, 0.000085%; no homozygotes.

Submission:

CeGaT Center for Human Genetics Tuebingen
Classification: Likely benign. Last evaluated: 2025-08-01. Review status: criteria provided, single submitter. Criteria: CeGaT Center For Human Genetics Tuebingen Variant Classification Criteria Version 2. Collection method: clinical testing. Allele origin: germline. Affected: yes. Observed: 1 variant allele.
Comment: SCAPER: BP4, BP7